The following is an entry in ClinVar:

ClinVar aggregate classification (germline): Uncertain significance (1 of 4 stars; one submission).

Submission:

ISCA Site 6
Classification: Uncertain significance. Last evaluated: 2011-08-12. Review status: criteria provided, single submitter. Criteria: Kaminsky et al. (Genet Med. 2011). Collection method: clinical testing. Allele origin: maternal. Affected: yes. Observed: 1 variant allele.
Comment: Copy number variation identified through the course of routine clinical cytogenomic testing in postnatal populations. Clinical assertions have been curated as described in Kaminsky et al. 2011.

GRCh38/hg38 15q11.2(chr15:22655582-23066575)x1

Genes: CYFIP1 (cytoplasmic FMR1 interacting protein 1; minus strand), NIPA1 (NIPA magnesium transporter 1; plus strand), NIPA2 (NIPA magnesium transporter 2; plus strand), TUBGCP5 (tubulin gamma complex component 5; minus strand), LOC112272575 (Sharpr-MPRA regulatory region 8478; plus strand) and 15 more. Cytogenetic location: 15q11.2.
Variant type: copy number loss.
Change: copy number 1 (one copy instead of two) of chr15:22,655,582-23,066,575 (411.0 kb, GRCh38 coordinates, 1-based), cytogenetic band 15q11.2.
Identifiers: ClinVar variation 57523 (VCV000057523.3).